The following is an entry in ClinVar:

ClinVar aggregate classification (germline): Uncertain significance. Review status: criteria provided, multiple submitters, no conflicts (2 of 4 stars). 2 submissions from 2 submitters: Uncertain significance (2). Last evaluated 2024-11-25.

Conditions:
Gamma-glutamylcysteine synthetase deficiency (CNSHA7). Also called: ANEMIA, CONGENITAL, NONSPHEROCYTIC HEMOLYTIC, 7. Identifiers: Orphanet 33574, MedGen C1856603, MONDO:0009259, OMIM 230450.

Allele frequency attached by ClinVar (database versions not stated): TOPMed 0.00005; ExAC 0.00009; gnomAD 0.00019; gnomAD exomes 0.00042; 1000 Genomes Project 30x 0.00047; 1000 Genomes Project 0.00060.
gnomAD v4.1: 622 of 1,612,642 alleles (0.039%); highest among the groups gnomAD compares: East Asian, 1.4%; 9 homozygotes.

Submissions (2):

Labcorp Genetics (formerly Invitae), Labcorp
Classification: Uncertain significance. Last evaluated: 2024-11-25. Review status: criteria provided, single submitter. Criteria: Invitae Variant Classification Sherloc (09022015). Collection method: clinical testing. Allele origin: germline.
Comment: This sequence change replaces arginine, which is basic and polar, with tryptophan, which is neutral and slightly polar, at codon 66 of the GCLC protein (p.Arg66Trp). This variant is present in population databases (rs143809584, gnomAD 0.07%). This variant has not been reported in the literature in individuals affected with GCLC-related conditions. ClinVar contains an entry for this variant (Variation ID: 2432088). An algorithm developed to predict the effect of missense changes on protein structure and function (PolyPhen-2) suggests that this variant is likely to be disruptive. In summary, the available evidence is currently insufficient to determine the role of this variant in disease. Therefore, it has been classified as a Variant of Uncertain Significance.

Revvity Omics, Revvity
Classification: Uncertain significance for Gamma-glutamylcysteine synthetase deficiency. Last evaluated: 2023-02-22. Review status: criteria provided, single submitter. Criteria: ACMG Guidelines, 2015. Collection method: clinical testing. Allele origin: germline.

NM_001498.4(GCLC):c.196C>T (p.Arg66Trp)

Gene: GCLC (glutamate-cysteine ligase catalytic subunit; minus strand). Cytogenetic location: 6p12.1.
Variant type: single nucleotide variant.
Coding change: c.196C>T on transcript NM_001498.4 (MANE Select); coding-DNA position 196, C replaced by T.
Protein change: p.Arg66Trp; replaces arginine 66 with tryptophan.
Molecular consequence: missense variant.
Genome position (GRCh38, 1-based): chr6:53,522,482, G>A on the plus strand (C>T on the coding strand, the complement: GCLC is on the minus strand). VCF-style: chr6-53522482-G-A. GRCh37 (hg19) VCF-style: chr6-53387280-G-A.
Other names: c.196C>T, p.Arg66Trp (NM_001197115.2); short protein forms R66W.
Identifiers: ClinVar variation 2432088 (VCV002432088.5), dbSNP rs143809584, ClinGen allele CA3860417.
Genomic context (GRCh38, chr6:53,522,482, plus strand): 5'-TTGTCCTTTCCCCCTTCTCTTGCAGAGTTTCAAGAACTTTCTCCCCAGACAGGACCAACC[G>A]GACTTTTTTATTTTCATGATCAAAAGATACCAACATGTATTCCACCTATTGAAAATAAAG-3'
Protein context (NP_001489.1, residues 56-76): VSFDHENKKV[Arg66Trp]LVLSGEKVLE